The following is an entry in ClinVar:

NM_001080453.3(INTS1):c.2527C>T (p.Arg843Trp)

Gene: INTS1 (integrator complex subunit 1; minus strand). Cytogenetic location: 7p22.3.
Variant type: single nucleotide variant.
Coding change: c.2527C>T on transcript NM_001080453.3 (MANE Select); coding-DNA position 2527, C replaced by T.
Protein change: p.Arg843Trp; replaces arginine 843 with tryptophan.
Molecular consequence: missense variant.
Genome position (GRCh38, 1-based): chr7:1,487,439, G>A on the plus strand (C>T on the coding strand, the complement: INTS1 is on the minus strand). VCF-style: chr7-1487439-G-A. GRCh37 (hg19) VCF-style: chr7-1527075-G-A.
Other names: short protein forms R843W.
Identifiers: ClinVar variation 2429601 (VCV002429601.2), dbSNP rs750043714, ClinGen allele CA4119744.

ClinVar aggregate classification (germline): Uncertain significance (1 of 4 stars; one submission).

Allele frequency attached by ClinVar (database versions not stated): ExAC 0.00001.
gnomAD v4.1: 11 of 1,607,858 alleles (0.00068%); highest among the groups gnomAD compares: Non-Finnish European, 0.00076%; no homozygotes.

Submission:

GeneDx
Classification: Uncertain significance. Last evaluated: 2026-01-24. Review status: criteria provided, single submitter. Criteria: GeneDx Variant Classification Process June 2021. Collection method: clinical testing. Allele origin: germline. Affected: yes.
Comment: Not observed at significant frequency in large population cohorts (gnomAD); In silico analysis supports that this missense variant has a deleterious effect on protein structure/function; Has not been previously published as pathogenic or benign to our knowledge